The following is an entry in ClinVar:

ClinVar aggregate classification (germline): Benign. Review status: criteria provided, multiple submitters, no conflicts (2 of 4 stars). 3 submissions from 3 submitters: Benign (3). Last evaluated 2018-06-29.

Conditions:
Glycogen storage disease, type I. Identifiers: Orphanet 364, MedGen C0017920, MONDO:0002413.

Allele frequency attached by ClinVar (database versions not stated): TOPMed 0.79137; gnomAD 0.80326; 1000 Genomes Project 30x 0.84416; 1000 Genomes Project 0.84964; gnomAD exomes 0.87405.

Submissions (3):

GeneDx
Classification: Benign. Last evaluated: 2018-06-29. Review status: criteria provided, single submitter. Criteria: GeneDx Variant Classification Process June 2021. Collection method: clinical testing. Allele origin: germline. Affected: yes.

Illumina Laboratory Services, Illumina
Classification: Benign for Glycogen storage disease, type I. Last evaluated: 2018-01-12. Review status: criteria provided, single submitter. Criteria: ICSL Variant Classification Criteria 13 December 2019. Collection method: clinical testing. Allele origin: germline.
Comment: This variant was observed in the ICSL laboratory as part of a predisposition screen in an ostensibly healthy population. It had not been previously curated by ICSL or reported in the Human Gene Mutation Database (HGMD: prior to June 1st, 2018), and was therefore a candidate for classification through an automated scoring system. Utilizing variant allele frequency, disease prevalence and penetrance estimates, and inheritance mode, an automated score was calculated to assess if this variant is too frequent to cause the disease. Based on the score and internal cut-off values, a variant classified as benign is not then subjected to further curation. The score for this variant resulted in a classification of benign for this disease.

Breakthrough Genomics
Classification: Benign. Review status: criteria provided, single submitter. Criteria: ACMG Guidelines, 2015. Collection method: not provided. Allele origin: germline. Inheritance: Autosomal recessive inheritance. Affected: yes.

NM_001164277.2(SLC37A4):c.-420G>C

Genes: SLC37A4 (solute carrier family 37 member 4; minus strand), LOC130006883 (ATAC-STARR-seq lymphoblastoid silent region 3962; plus strand). Cytogenetic location: 11q23.3.
Variant type: single nucleotide variant.
Coding change: c.-420G>C on transcript NM_001164277.2 (MANE Select); 420 bases upstream of the start codon, G replaced by C.
Molecular consequence: 5 prime UTR variant. On other transcripts: intron variant (3).
Genome position (GRCh38, 1-based): chr11:119,030,456, C>G on the plus strand (G>C on the coding strand, the complement: SLC37A4 is on the minus strand). VCF-style: chr11-119030456-C-G. GRCh37 (hg19) VCF-style: chr11-118901166-C-G.
Other names: c.-345+393G>C (NM_001164279.2); c.-196+393G>C (NM_001467.6); c.-196+92G>C (NM_001164278.2).
Identifiers: ClinVar variation 302718 (VCV000302718.9), dbSNP rs2846281, ClinGen allele CA10637798.